The following is an entry in ClinVar:

NM_005477.3(HCN4):c.2695G>A (p.Val899Ile)

Gene: HCN4 (hyperpolarization activated cyclic nucleotide gated potassium channel 4; minus strand). Cytogenetic location: 15q24.1.
Variant type: single nucleotide variant.
Coding change: c.2695G>A on transcript NM_005477.3 (MANE Select); coding-DNA position 2695, G replaced by A.
Protein change: p.Val899Ile; replaces valine 899 with isoleucine.
Molecular consequence: missense variant.
Genome position (GRCh38, 1-based): chr15:73,323,398, C>T on the plus strand (G>A on the coding strand, the complement: HCN4 is on the minus strand). VCF-style: chr15-73323398-C-T. GRCh37 (hg19) VCF-style: chr15-73615739-C-T.
Other names: short protein forms V899I.
Identifiers: ClinVar variation 470657 (VCV000470657.19), dbSNP rs370669201, ClinGen allele CA272664364.

ClinVar aggregate classification (germline): Conflicting classifications of pathogenicity. Review status: criteria provided, conflicting classifications (1 of 4 stars). 4 submissions from 4 submitters: Uncertain significance (2); Likely benign (1). 1 of the submissions does not count toward it. Last evaluated 2025-12-13.

Conditions:
HCN4-related disorder. Also called: HCN4-related condition.
Brugada syndrome 8 (BRGDA8). Identifiers: Orphanet 130, MedGen C2751083, MONDO:0013148, OMIM 613123.
Cardiovascular phenotype. Identifiers: MedGen CN230736.

Allele frequency attached by ClinVar (database versions not stated): gnomAD exomes 0.00002 and 0.00003; TOPMed 0.00006; gnomAD 0.00007 and 0.00008; ESP Exome Variant Server 0.00008; 1000 Genomes Project 30x 0.00016.

Submissions (4):

Labcorp Genetics (formerly Invitae), Labcorp
Classification: Uncertain significance for Brugada syndrome 8. Last evaluated: 2025-12-13. Review status: criteria provided, single submitter. Criteria: Invitae Variant Classification Sherloc (09022015). Collection method: clinical testing. Allele origin: germline.
Comment: This sequence change replaces valine, which is neutral and non-polar, with isoleucine, which is neutral and non-polar, at codon 899 of the HCN4 protein (p.Val899Ile). This variant is present in population databases (rs370669201, gnomAD 0.01%). This variant has not been reported in the literature in individuals affected with HCN4-related conditions. ClinVar contains an entry for this variant (Variation ID: 470657). Invitae Evidence Modeling of protein sequence and biophysical properties (such as structural, functional, and spatial information, amino acid conservation, physicochemical variation, residue mobility, and thermodynamic stability) indicates that this missense variant is not expected to disrupt HCN4 protein function with a negative predictive value of 95%. In summary, the available evidence is currently insufficient to determine the role of this variant in disease. Therefore, it has been classified as a Variant of Uncertain Significance.

Ambry Genetics
Classification: Likely benign for Cardiovascular phenotype. Last evaluated: 2025-01-10. Review status: criteria provided, single submitter. Criteria: Ambry Variant Classification Scheme 2023. Collection method: clinical testing. Allele origin: germline.

GeneDx
Classification: Uncertain significance. Last evaluated: 2024-11-05. Review status: criteria provided, single submitter. Criteria: GeneDx Variant Classification Process June 2021. Collection method: clinical testing. Allele origin: germline. Affected: yes.
Comment: Has not been previously published as pathogenic or benign to our knowledge; In silico analysis indicates that this missense variant does not alter protein structure/function

PreventionGenetics, part of Exact Sciences
Classification: Uncertain significance for HCN4-related condition. Last evaluated: 2024-05-01. Review status: no assertion criteria provided. Collection method: clinical testing. Allele origin: germline. Not counted in ClinVar's aggregate classification.
Comment: The HCN4 c.2695G>A variant is predicted to result in the amino acid substitution p.Val899Ile. To our knowledge, this variant has not been reported in the literature. This variant is reported in 0.015% of alleles in individuals of African descent in gnomAD. At this time, the clinical significance of this variant is uncertain due to the absence of conclusive functional and genetic evidence.